The following is an entry in ClinVar:

NM_005245.4(FAT1):c.13184C>T (p.Pro4395Leu)

Genes: FAT1 (FAT atypical cadherin 1; minus strand), LOC126807253 (BRD4-independent group 4 enhancer GRCh37_chr4:187509297-187510496; plus strand). Cytogenetic location: 4q35.2.
Variant type: single nucleotide variant.
Coding change: c.13184C>T on transcript NM_005245.4 (MANE Select); coding-DNA position 13184, C replaced by T.
Protein change: p.Pro4395Leu; replaces proline 4395 with leucine.
Molecular consequence: missense variant.
Genome position (GRCh38, 1-based): chr4:186,589,175, G>A on the plus strand (C>T on the coding strand, the complement: FAT1 is on the minus strand). VCF-style: chr4-186589175-G-A. GRCh37 (hg19) VCF-style: chr4-187510329-G-A.
Other names: short protein forms P4395L.
Identifiers: ClinVar variation 2276359 (VCV002276359.25), dbSNP rs558459409, ClinGen allele CA3164592.

ClinVar aggregate classification (germline): Uncertain significance. Review status: criteria provided, multiple submitters, no conflicts (2 of 4 stars). 2 submissions from 2 submitters: Uncertain significance (2). Last evaluated 2023-11-01.

Conditions:
Inborn genetic diseases. Identifiers: MedGen C0950123, MeSH D030342.

Allele frequency attached by ClinVar (database versions not stated): gnomAD exomes 0.00001; ExAC 0.00002; TOPMed 0.00003; gnomAD 0.00009; 1000 Genomes Project 0.00020; 1000 Genomes Project 30x 0.00031.
gnomAD v4.1: 26 of 1,613,578 alleles (0.0016%); highest among the groups gnomAD compares: Admixed American, 0.02%; no homozygotes.

Submissions (2):

CeGaT Center for Human Genetics Tuebingen
Classification: Uncertain significance. Last evaluated: 2023-11-01. Review status: criteria provided, single submitter. Criteria: CeGaT Center For Human Genetics Tuebingen Variant Classification Criteria Version 2. Collection method: clinical testing. Allele origin: germline. Affected: yes. Observed: 1 variant allele.
Comment: FAT1: PM2, PM3:Supporting

Ambry Genetics
Classification: Uncertain significance for Inborn genetic diseases. Last evaluated: 2022-10-03. Review status: criteria provided, single submitter. Criteria: Ambry Variant Classification Scheme 2023. Collection method: clinical testing. Allele origin: germline.